The following is an entry in ClinVar:

NM_004171.4(SLC1A2):c.1223C>T (p.Ala408Val)

Gene: SLC1A2 (solute carrier family 1 member 2; minus strand). Cytogenetic location: 11p13.
Variant type: single nucleotide variant.
Coding change: c.1223C>T on transcript NM_004171.4 (MANE Select); coding-DNA position 1223, C replaced by T.
Protein change: p.Ala408Val; replaces alanine 408 with valine.
Molecular consequence: missense variant.
Genome position (GRCh38, 1-based): chr11:35,286,820, G>A on the plus strand (C>T on the coding strand, the complement: SLC1A2 is on the minus strand). VCF-style: chr11-35286820-G-A. GRCh37 (hg19) VCF-style: chr11-35308367-G-A.
Other names: c.1196C>T, p.Ala399Val (NM_001195728.3, NM_001252652.2, NM_001439341.1); c.1211C>T, p.Ala404Val (NM_001439342.1); c.989C>T, p.Ala330Val (NM_001439343.1); short protein forms A399V, A330V, A404V, A408V.
Identifiers: ClinVar variation 4774741 (VCV004774741.1).

ClinVar aggregate classification (germline): Uncertain significance (1 of 4 stars; one submission).

gnomAD v4.1: 1 of 1,613,800 alleles (0.000062%); highest among the groups gnomAD compares: Non-Finnish European, 0.000085%; no homozygotes.

Submission:

Labcorp Genetics (formerly Invitae), Labcorp
Classification: Uncertain significance. Last evaluated: 2025-11-15. Review status: criteria provided, single submitter. Criteria: Invitae Variant Classification Sherloc (09022015). Collection method: clinical testing. Allele origin: germline.
Comment: This sequence change replaces alanine, which is neutral and non-polar, with valine, which is neutral and non-polar, at codon 408 of the SLC1A2 protein (p.Ala408Val). This variant is not present in population databases (gnomAD no frequency). This variant has not been reported in the literature in individuals affected with SLC1A2-related conditions. Invitae Evidence Modeling of protein sequence and biophysical properties (such as structural, functional, and spatial information, amino acid conservation, physicochemical variation, residue mobility, and thermodynamic stability) has been performed for this missense variant. However, the output from this modeling did not meet the statistical confidence thresholds required to predict the impact of this variant on SLC1A2 protein function. In summary, the available evidence is currently insufficient to determine the role of this variant in disease. Therefore, it has been classified as a Variant of Uncertain Significance.